The following is an entry in ClinVar:

ClinVar aggregate classification (germline): Conflicting classifications of pathogenicity. Review status: criteria provided, conflicting classifications (1 of 4 stars). 8 submissions from 6 submitters: Uncertain significance (3); Likely benign (5). Last evaluated 2025-08-17.

Conditions:
Arrhythmogenic cardiomyopathy with wooly hair and keratoderma. Also called: PALMOPLANTAR KERATODERMA WITH LEFT VENTRICULAR CARDIOMYOPATHY AND WOOLLY HAIR; Carvajal syndrome; Dilated cardiomyopathy with woolly hair and keratoderma; Arrhythmogenic cardiomyopathy with woolly hair and keratoderma. Identifiers: Orphanet 65282, MedGen C1854063, MONDO:0011581, OMIM 605676.
Arrhythmogenic right ventricular dysplasia 8 (ARVD8). Also called: Arrhythmogenic Right Ventricular Dysplasia/Cardiomyopathy 8; ARRHYTHMOGENIC RIGHT VENTRICULAR DYSPLASIA, FAMILIAL, 8; ARRHYTHMOGENIC RIGHT VENTRICULAR CARDIOMYOPATHY 8. Identifiers: MedGen C1843896, MONDO:0011831, OMIM 607450.
Cardiomyopathy (CMYO). Also called: Cardiomyopathies. Identifiers: Orphanet 167848, MedGen C0878544, MONDO:0004994, HP:0001638. Inheritance: Various modes of inheritance.
Lethal acantholytic epidermolysis bullosa (EBLA). Identifiers: Orphanet 158687, MedGen C1864826, MONDO:0012323, OMIM 609638.
Woolly hair-skin fragility syndrome (WHSF). Identifiers: Orphanet 293165, MedGen C1843292, MONDO:0957307, OMIM 620415.
Cardiovascular phenotype. Identifiers: MedGen CN230736.

Allele frequency attached by ClinVar (database versions not stated): gnomAD 0.00004 and 0.00005; ExAC 0.00008; gnomAD exomes 0.00012; TOPMed 0.00014.

Submissions (8):

Labcorp Genetics (formerly Invitae), Labcorp
Classification: Likely benign for Arrhythmogenic cardiomyopathy with wooly hair and keratoderma; Arrhythmogenic right ventricular dysplasia 8. Last evaluated: 2025-08-17. Review status: criteria provided, single submitter. Criteria: Invitae Variant Classification Sherloc (09022015). Collection method: clinical testing. Allele origin: germline.

Ambry Genetics
Classification: Likely benign for Cardiovascular phenotype. Last evaluated: 2025-02-21. Review status: criteria provided, single submitter. Criteria: Ambry Variant Classification Scheme 2023. Collection method: clinical testing. Allele origin: germline.

All of Us Research Program, National Institutes of Health
Classification: Likely benign for Arrhythmogenic cardiomyopathy with wooly hair and keratoderma. Last evaluated: 2024-07-29. Review status: criteria provided, single submitter. Criteria: ACMG Guidelines, 2015. Collection method: clinical testing. Allele origin: germline. Inheritance: Autosomal dominant inheritance. Observed: 4 variant alleles, 4 heterozygotes.
Comment: This study involves interpretation of variants in research participants for the purpose of population health screening. Participant phenotype was not available at the time of variant classification. Additional details can be found in publication PMID: 35346344, PMCID: PMC8962531

Women's Health and Genetics/Laboratory Corporation of America, LabCorp
Classification: Likely benign. Last evaluated: 2022-07-05. Review status: criteria provided, single submitter. Criteria: LabCorp Variant Classification Summary - May 2015. Collection method: clinical testing. Allele origin: germline.
Comment: Variant summary: DSP c.2360A>G (p.Tyr787Cys) results in a non-conservative amino acid change in the encoded protein sequence. Three of five in-silico tools predict a damaging effect of the variant on protein function. The variant allele was found at a frequency of 0.00012 in 251398 control chromosomes, predominantly at a frequency of 0.0015 within the East Asian subpopulation in the gnomAD database. The observed variant frequency within East Asian control individuals in the gnomAD database is approximately 8 fold of the estimated maximal expected allele frequency for a pathogenic variant in DSP causing Arrhythmogenic Right Ventricular Dysplasia/Cardiomyopathy phenotype (0.0002), strongly suggesting that the variant is a benign polymorphism found primarily in populations of East Asian origin. c.2360A>G has been reported in the literature in individuals affected with Arrhythmogenic Right Ventricular Dysplasia/Cardiomyopathy. These reports do not provide unequivocal conclusions about association of the variant with Arrhythmogenic Right Ventricular Dysplasia/Cardiomyopathy. To our knowledge, no experimental evidence demonstrating an impact on protein function has been reported. Three clinical diagnostic laboratories have submitted clinical-significance assessments for this variant to ClinVar after 2014 without evidence for independent evaluation (likely benign n=2, VUS n=1). Based on the evidence outlined above, the variant was classified as likely benign.

Color Diagnostics, LLC DBA Color Health
Classification: Likely benign for Cardiomyopathy. Last evaluated: 2018-11-14. Review status: criteria provided, single submitter. Criteria: ACMG Guidelines, 2015. Collection method: clinical testing. Allele origin: germline.

Illumina Laboratory Services, Illumina
Classification: Uncertain significance for Lethal acantholytic epidermolysis bullosa. Last evaluated: 2017-04-27. Review status: criteria provided, single submitter. Criteria: ICSL Variant Classification Criteria 13 December 2019. Collection method: clinical testing. Allele origin: germline.

Illumina Laboratory Services, Illumina
Classification: Uncertain significance for Arrhythmogenic cardiomyopathy with wooly hair and keratoderma. Last evaluated: 2017-04-27. Review status: criteria provided, single submitter. Criteria: ICSL Variant Classification Criteria 13 December 2019. Collection method: clinical testing. Allele origin: germline.

Illumina Laboratory Services, Illumina
Classification: Uncertain significance for Arrhythmogenic right ventricular dysplasia 8. Last evaluated: 2017-04-27. Review status: criteria provided, single submitter. Criteria: ICSL Variant Classification Criteria 13 December 2019. Collection method: clinical testing. Allele origin: germline.
Comment: This variant was observed as part of a predisposition screen in an ostensibly healthy population. A literature search was performed for the gene, cDNA change, and amino acid change (where applicable). Publications were found based on this search. However, the evidence from the literature, in combination with allele frequency data from public databases where available, was not sufficient to rule this variant in or out of causing disease. Therefore, this variant is classified as a variant of unknown significance.

Literature cited by the submitters: PubMed 23514727 (cited by Ambry Genetics and Illumina Laboratory Services, Illumina); PubMed 25550050 (cited by Ambry Genetics and Illumina Laboratory Services, Illumina); PubMed 28471438 (cited by Ambry Genetics); PubMed 29178656 (cited by Women's Health and Genetics/Laboratory Corporation of America, LabCorp); PubMed 31402444 (cited by Women's Health and Genetics/Laboratory Corporation of America, LabCorp).

NM_004415.4(DSP):c.2360A>G (p.Tyr787Cys)

Gene: DSP (desmoplakin; plus strand). Cytogenetic location: 6p24.3.
Variant type: single nucleotide variant.
Coding change: c.2360A>G on transcript NM_004415.4 (MANE Select); coding-DNA position 2360, A replaced by G.
Protein change: p.Tyr787Cys; replaces tyrosine 787 with cysteine.
Molecular consequence: missense variant.
Genome position (GRCh38, 1-based): chr6:7,574,719, A>G. VCF-style: chr6-7574719-A-G. GRCh37 (hg19) VCF-style: chr6-7574952-A-G.
Other names: c.2360A>G, p.Tyr787Cys (NM_001008844.3, NM_001319034.2); c.2360A>G (LRG_423t1); short protein forms Y787C.
Identifiers: ClinVar variation 534302 (VCV000534302.21), dbSNP rs778350289, ClinGen allele CA032952.